The following is an entry in ClinVar:

ClinVar aggregate classification (germline): Pathogenic. Review status: criteria provided, multiple submitters, no conflicts (2 of 4 stars). 45 submissions from 40 submitters: Pathogenic (38). 7 of the submissions do not count toward it. Last evaluated 2026-08-01.

Conditions:
Hereditary persistence of fetal hemoglobin. Identifiers: MedGen C0019025, MONDO:0020989, OMIM 141749.
METHEMOGLOBINEMIA, BETA TYPE. Also called: Methemoglobinemia, beta-globin type. Identifiers: MedGen C1840779, OMIM 617971.
Malaria, susceptibility to. Identifiers: Orphanet 673, MedGen C1970028, MONDO:0021024, OMIM 611162.
Dominant beta-thalassemia. Also called: Beta-thalassemia, dominant inclusion body type. Identifiers: Orphanet 231226, Orphanet 848, MedGen C1858990, MONDO:0011381, OMIM 603902.
Beta-thalassemia HBB/LCRB. Identifiers: MedGen CN322236, MONDO:0013517, OMIM 613985.
Erythrocytosis, familial, 6. Also called: ERYTHROCYTOSIS, BETA-GLOBIN TYPE; POLYCYTHEMIA, BETA-GLOBIN TYPE. Identifiers: MedGen C4693822, MONDO:0054801, OMIM 617980.
Hb SS disease (SCD). Also called: Hemoglobin SS; Sickle cell anemia; Sickle cell disease; HbS disease; Hemoglobin S Disease; Sickling disorder due to hemoglobin S. Identifiers: Orphanet 232, Orphanet 275752, MedGen C0002895, MONDO:0011382, OMIM 603903.
Heinz body anemia. Also called: Heinz body hemolytic anemia. Identifiers: Orphanet 178330, MedGen C0700299, MONDO:0007705, OMIM 140700, HP:0005511.
alpha Thalassemia. Also called: Alpha thalassemia spectrum. Identifiers: Orphanet 846, MedGen C0002312, MONDO:0011399, OMIM 604131.
Hemoglobin E/beta- thalassemia.
beta Thalassemia (BTHAL). Also called: Cooley's anemia; Erythroblastic anemia; Mediterranean anemia. Identifiers: Orphanet 848, MedGen C0005283, MONDO:0019402. Disease mechanism: loss of function.
Fetal hemoglobin quantitative trait locus 1 (HBFQTL1). Identifiers: Orphanet 251380, MedGen C1841621.
HBB-related disorder. Also called: HBB-related disorders; HBB-related condition. Identifiers: MedGen CN239378.
Inborn genetic diseases. Identifiers: MedGen C0950123, MeSH D030342.
Hemoglobin E disease. Identifiers: Orphanet 2133, MedGen C0238159, MONDO:0016243.
Hemoglobin E. Identifiers: MedGen C3889325.
Hemoglobin E/beta thalassemia disease. Also called: Beta E thalassemia; Hemoglobin E-beta-thalassemia syndrome. Identifiers: Orphanet 231249, MedGen C0472777, MONDO:0016491.
BETA-PLUS-THALASSEMIA. Identifiers: MedGen C3841475.
Malaria, resistance to. Identifiers: MedGen C2720293.
Anemia. Also called: Anemia (disease). Identifiers: MedGen C0002871, MONDO:0002280, HP:0001903.

Allele frequency attached by ClinVar (database versions not stated): TOPMed 0.00007; gnomAD 0.00041 and 0.00006; gnomAD exomes 0.00016 and 0.00025; ExAC 0.00029; 1000 Genomes Project 0.00280; 1000 Genomes Project 30x 0.00281.
gnomAD v4.1: 361 of 1,613,724 alleles (0.022%); highest among the groups gnomAD compares: South Asian, 0.26%; 5 homozygotes.

Submissions 1 to 8 of 45:

CeGaT Center for Human Genetics Tuebingen
Classification: Pathogenic. Last evaluated: 2026-08-01. Review status: criteria provided, single submitter. Criteria: CeGaT Center For Human Genetics Tuebingen Variant Classification Criteria Version 2. Collection method: clinical testing. Allele origin: germline. Affected: yes. Observed: 2 variant alleles.
Comment: HBB: PM3:Very Strong, PM2:Supporting, PP3

PreventionGenetics, part of Exact Sciences
Classification: Pathogenic for HBB-related condition. Last evaluated: 2026-05-05. Review status: criteria provided, single submitter. Criteria: ACMG Guidelines, 2015. Collection method: clinical testing. Allele origin: germline.
Comment: The HBB c.79G>A variant is predicted to result in the amino acid substitution p.Glu27Lys. This variant is alternatively reported as p.Glu26Lys in the literature, and is commonly referred to as Hemoglobin E/HbE. This variant has been reported to cause hemoglobinopathy (HbVar; Vichinsky. 2007. PubMed ID: 18024613). In the ClinVar database, this variant has also been interpreted as pathogenic by several different laboratories (Variation ID: 15161). Homozygous HbE has been reported in many patients and can be associated with mild hemolytic anemia (Masiello et al. 2007. PubMed ID: 17278112; Jayasree et al. 2016. PubMed ID: 26554862; Origa et al. 2018. PubMed ID: 20301599). This variant is reported in 0.12% of alleles in individuals of East Asian descent in gnomAD. This variant is interpreted as pathogenic.

Department of Otolaryngology Head and Neck Surgery, Hainan Hospital of the Chinese People’s Liberation Army General Hospital
Classification: Pathogenic for Beta-thalassemia HBB/LCRB. Last evaluated: 2026-02-01. Review status: criteria provided, single submitter. Criteria: ACMG Guidelines, 2015. Collection method: clinical testing. Allele origin: germline. Affected: yes.
Comment: This variant is a single nucleotide substitution in the beta-globin gene (HBB:c.79G>A, p.Glu27Lys), commonly known as the hemoglobin E (HbE) mutation. HbE is one of the most prevalent hemoglobin variants worldwide, with particularly high frequencies in Southeast Asian populations. The HBB:c.79G>A mutation results in reduced synthesis of the beta-globin chain and exhibits a mild thalassemic phenotype. HbE/β-thalassemia is one of the most common forms of hemoglobinopathies worldwide and is the most prevalent thalassemia syndrome in many Asian countries. It causes approximately 50% of all severe transfusion-dependent thalassemia globally. The clinical severity of HbE/β-thalassemia is highly heterogeneous, ranging from mild to severe, and can be influenced by several genetic modifiers, including co-inherited β-thalassemia and the XmnI polymorphism. Compound heterozygosity for HbE and a severe beta-thalassemia mutation (HbE/β-thalassemia) can result in a wide spectrum of clinical phenotypes, from mild thalassemia intermedia to transfusion-dependent thalassemia major. The classification of this variant as pathogenic is based on its well-established role in reducing beta-globin chain synthesis and its clinical significance in compound heterozygosity with beta-thalassemia mutations, leading to the characteristic hematological features of HbE/β-thalassemia

Labcorp Genetics (formerly Invitae), Labcorp
Classification: Pathogenic. Last evaluated: 2026-01-28. Review status: criteria provided, single submitter. Criteria: Invitae Variant Classification Sherloc (09022015). Collection method: clinical testing. Allele origin: germline.
Comment: This sequence change replaces glutamic acid, which is acidic and polar, with lysine, which is basic and polar, at codon 27 of the HBB protein (p.Glu27Lys). This variant is present in population databases (rs33950507, gnomAD 0.1%). This missense change has been observed in individual(s) with beta thalassemia (PMID: 21732929, 26554862). It has also been observed to segregate with disease in related individuals. This variant is also known as Hb E and Glu26Lys. ClinVar contains an entry for this variant (Variation ID: 15161). Invitae Evidence Modeling of protein sequence and biophysical properties (such as structural, functional, and spatial information, amino acid conservation, physicochemical variation, residue mobility, and thermodynamic stability) has been performed for this missense variant. However, the output from this modeling did not meet the statistical confidence thresholds required to predict the impact of this variant on HBB protein function. Studies have shown that this missense change alters mRNA splicing and is expected to lead to the loss of protein expression (PMID: 21732929, 22260787). For these reasons, this variant has been classified as Pathogenic.

Center for Genomic Medicine, Rigshospitalet, Copenhagen University Hospital
Classification: Pathogenic. Last evaluated: 2025-12-29. Review status: criteria provided, single submitter. Criteria: ACMG Guidelines, 2015. Collection method: clinical testing. Allele origin: germline.

Natera, Inc.
Classification: Pathogenic for Beta thalassemia. Last evaluated: 2025-12-15. Review status: criteria provided, single submitter. Criteria: Natera Variant Classification Schema (03/2026). Collection method: clinical testing. Allele origin: germline.
Comment: The c.79G>A variant in HBB is a missense variant predicted to cause substitution of glutamic acid to lysine at amino acid 27. This variant is rare in the general population with a frequency below the threshold expected for the associated phenotype(s). This variant has been observed in one or more individuals affected with the associated recessive disease, as either homozygous or compound heterozygous with a second variant (PMID: 24581976, 21732929). Functional studies show that this variant may disrupt protein function (PMID: 21732929). Computational prediction algorithms indicate this variant is likely to affect gene or protein function. Given the available evidence, this variant is classified as Pathogenic.

3billion
Classification: Pathogenic for Beta-thalassemia HBB/LCRB. Last evaluated: 2025-12-05. Review status: criteria provided, single submitter. Criteria: ACMG Guidelines, 2015. Collection method: clinical testing. Allele origin: germline. Affected: yes.
Comment: The variant is observed at an extremely low frequency in the gnomAD v4.1.0 dataset (total allele frequency: 0.022%). Predicted Consequence/Location: Missense variant In silico tool predictions suggest damaging effect of the variant on gene or gene product [REVEL: 0.72 (>=0.6, sensitivity 0.68 and specificity 0.92)]. The same nucleotide change resulting in the same amino acid change has been previously reported as pathogenic/likely pathogenic with strong evidence (ClinVar ID: VCV000015161 /PMID: 7177196 /3billion dataset). The variant has been reported to be in trans with a pathogenic variant as either compound heterozygous or homozygous in at least 4 similarly affected unrelated individuals (PMID: 21732929). Different missense changes at the same codon (p.Glu27Ala, p.Glu27Asp, p.Glu27Gly) have been reported to be associated with HBB-related disorder (ClinVar ID: VCV000015554, VCV000599394 /PMID: 15481887). Therefore, this variant is classified as Pathogenic according to the recommendation of ACMG/AMP guideline.

Genesolutions, Medical Genetics Institutes, Ho Chi Minh City, Vietnam
Classification: Pathogenic for Beta-thalassemia HBB/LCRB. Last evaluated: 2025-09-24. Review status: criteria provided, single submitter. Criteria: ACMG Guidelines, 2015. Collection method: clinical testing. Allele origin: germline. Affected: yes.

NM_000518.5(HBB):c.79G>A (p.Glu27Lys)

Genes: HBB (hemoglobin subunit beta; minus strand), LOC106099062 (HBB recombination region; plus strand), LOC107133510 (origin of replication at HBB; plus strand). Cytogenetic location: 11p15.4.
Variant type: single nucleotide variant.
Coding change: c.79G>A on transcript NM_000518.5 (MANE Select); coding-DNA position 79, G replaced by A.
Protein change: p.Glu27Lys; replaces glutamic acid 27 with lysine.
Molecular consequence: missense variant.
Genome position (GRCh38, 1-based): chr11:5,226,943, C>T on the plus strand (G>A on the coding strand, the complement: HBB is on the minus strand). VCF-style: chr11-5226943-C-T. GRCh37 (hg19) VCF-style: chr11-5248173-C-T.
Other names: E26K; CD 26 GAG>AAG [Glu>Lys]; Hb E; short protein forms E27K.
Identifiers: ClinVar variation 15161 (VCV000015161.157), dbSNP rs33950507, ClinGen allele CA124838.